The following is an entry in ClinVar:

NM_001349253.2(SCN11A):c.2521C>T (p.Arg841Trp)

Gene: SCN11A (sodium voltage-gated channel alpha subunit 11; minus strand). Cytogenetic location: 3p22.2.
Variant type: single nucleotide variant.
Coding change: c.2521C>T on transcript NM_001349253.2 (MANE Select); coding-DNA position 2521, C replaced by T.
Protein change: p.Arg841Trp; replaces arginine 841 with tryptophan.
Molecular consequence: missense variant.
Genome position (GRCh38, 1-based): chr3:38,894,847, G>A on the plus strand (C>T on the coding strand, the complement: SCN11A is on the minus strand). VCF-style: chr3-38894847-G-A. GRCh37 (hg19) VCF-style: chr3-38936338-G-A.
Other names: c.2521C>T, p.Arg841Trp (NM_014139.3); short protein forms R841W.
Identifiers: ClinVar variation 660238 (VCV000660238.8), dbSNP rs184088468, ClinGen allele CA2322023.
Genomic context (GRCh38, chr3:38,894,847, plus strand): 5'-GCTTCCTGCACCACTTGTGACAGAAATGCTCAAGAGTGTGTCTCACAAAACAAAAAGCCC[G>A]GCGGAATCGATCCAGTGCTAACTGGACTTTAGTTTTCCTGGCCTCTCCTTCTAAGTTTCC-3'
Protein context (NP_001336182.1, residues 831-851): KVQLALDRFR[Arg841Trp]AFCFVRHTLE

ClinVar aggregate classification (germline): Conflicting classifications of pathogenicity. Review status: criteria provided, conflicting classifications (1 of 4 stars). 3 submissions from 3 submitters: Uncertain significance (2); Likely benign (1). Last evaluated 2024-10-04.

Conditions:
Inborn genetic diseases. Identifiers: MedGen C0950123, MeSH D030342.
Hereditary sensory and autonomic neuropathy type 7. Also called: Neuropathy, hereditary sensory and autonomic, type VII; HSAN VII. Identifiers: Orphanet 391397, MedGen C3809882, MONDO:0014244, OMIM 615548.
Familial episodic pain syndrome with predominantly lower limb involvement. Also called: Episodic pain syndrome, familial, 3. Identifiers: Orphanet 391384, Orphanet 391392, MedGen C3809899, MONDO:0014247, OMIM 615552.

Allele frequency attached by ClinVar (database versions not stated): gnomAD 0.00001; TOPMed 0.00001; gnomAD exomes 0.00003 and 0.00006; ExAC 0.00007; 1000 Genomes Project 0.00040; 1000 Genomes Project 30x 0.00047.
gnomAD v4.1: 52 of 1,614,150 alleles (0.0032%); highest among the groups gnomAD compares: East Asian, 0.029%; no homozygotes.

Submissions (3):

Labcorp Genetics (formerly Invitae), Labcorp
Classification: Uncertain significance for Familial episodic pain syndrome with predominantly lower limb involvement; Hereditary sensory and autonomic neuropathy type 7. Last evaluated: 2024-10-04. Review status: criteria provided, single submitter. Criteria: Invitae Variant Classification Sherloc (09022015). Collection method: clinical testing. Allele origin: germline.
Comment: This sequence change replaces arginine, which is basic and polar, with tryptophan, which is neutral and slightly polar, at codon 841 of the SCN11A protein (p.Arg841Trp). This variant is present in population databases (rs184088468, gnomAD 0.03%). This variant has not been reported in the literature in individuals affected with SCN11A-related conditions. ClinVar contains an entry for this variant (Variation ID: 660238). Invitae Evidence Modeling of protein sequence and biophysical properties (such as structural, functional, and spatial information, amino acid conservation, physicochemical variation, residue mobility, and thermodynamic stability) indicates that this missense variant is not expected to disrupt SCN11A protein function with a negative predictive value of 80%. In summary, the available evidence is currently insufficient to determine the role of this variant in disease. Therefore, it has been classified as a Variant of Uncertain Significance.

GeneDx
Classification: Uncertain significance. Last evaluated: 2022-07-01. Review status: criteria provided, single submitter. Criteria: GeneDx Variant Classification Process June 2021. Collection method: clinical testing. Allele origin: germline. Affected: yes.
Comment: In silico analysis supports that this missense variant has a deleterious effect on protein structure/function; Has not been previously published as pathogenic or benign to our knowledge

Ambry Genetics
Classification: Likely benign for Inborn genetic diseases. Last evaluated: 2021-07-13. Review status: criteria provided, single submitter. Criteria: Ambry Variant Classification Scheme 2023. Collection method: clinical testing. Allele origin: germline.